The following is an entry in ClinVar:

NM_001005498.4(RHBDF2):c.928T>C (p.Tyr310His)

Gene: RHBDF2 (rhomboid 5 homolog 2; minus strand). Cytogenetic location: 17q25.1.
Variant type: single nucleotide variant.
Coding change: c.928T>C on transcript NM_001005498.4 (MANE Select); coding-DNA position 928, T replaced by C.
Protein change: p.Tyr310His; replaces tyrosine 310 with histidine.
Molecular consequence: missense variant. On other transcripts: non-coding transcript variant (3).
Genome position (GRCh38, 1-based): chr17:76,477,017, A>G on the plus strand (T>C on the coding strand, the complement: RHBDF2 is on the minus strand). VCF-style: chr17-76477017-A-G. GRCh37 (hg19) VCF-style: chr17-74473099-A-G.
Other names: c.928T>C, p.Tyr310His (NM_001376228.1, NM_001376229.1, NM_001376230.1); c.1015T>C, p.Tyr339His (NM_024599.5); short protein forms Y310H, Y339H.
Identifiers: ClinVar variation 1050059 (VCV001050059.1), dbSNP rs2144114249, ClinGen allele CA401170233.
Genomic context (GRCh38, chr17:76,477,017, plus strand): 5'-GCTTCACCTTGGAGGCGATGCGCTTGCCGCGCCGGGGCCCGGGGACTGGGGCTCGGCCAT[A>G]CTCCTTCCTGGTGGGGATGGTGGCTTTCAGCCTGAATCCCCCACCAAAATACTCCCAGAC-3'
Protein context (NP_001005498.2, residues 300-320): PDGVQIPLKE[Tyr310His]GRAPVPGPRR

ClinVar aggregate classification (germline): Uncertain significance (0 of 4 stars; one submission).

Submission:

Department of Pathology and Laboratory Medicine, Sinai Health System
Classification: Uncertain significance. Review status: no assertion criteria provided. Collection method: clinical testing. Allele origin: unknown. Affected: yes. Study: The Canadian Open Genetics Repository (COGR).
Comment: The RHBDF2 p.Tyr339His variant was not identified in the literature nor was it identified in dbSNP, ClinVar, Cosmic, LOVD 3.0 or in the following control databases: the 1000 Genomes Project, the NHLBI GO Exome Sequencing Project, the Exome Aggregation Consortium (August 8th 2016), or the Genome Aggregation Database (Feb 27, 2017). The variant occurs outside of the splicing consensus sequence and in silico or computational prediction software programs (SpliceSiteFinder, MaxEntScan, NNSPLICE, GeneSplicer) do not predict a difference in splicing. The p.Tyr339 residue is not conserved in mammals and computational analyses (PolyPhen-2, SIFT, AlignGVGD, BLOSUM, MutationTaster) do not suggest a high likelihood of impact to the protein; however, this information is not predictive enough to rule out pathogenicity. In summary, based on the above information the clinical significance of this variant cannot be determined with certainty at this time. This variant is classified as a variant of uncertain significance.